The following is an entry in ClinVar:

NM_006302.3(MOGS):c.1009G>A (p.Glu337Lys)

Gene: MOGS (mannosyl-oligosaccharide glucosidase; minus strand). Cytogenetic location: 2p13.1.
Variant type: single nucleotide variant.
Coding change: c.1009G>A on transcript NM_006302.3 (MANE Select); coding-DNA position 1009, G replaced by A.
Protein change: p.Glu337Lys; replaces glutamic acid 337 with lysine.
Molecular consequence: missense variant.
Genome position (GRCh38, 1-based): chr2:74,462,780, C>T on the plus strand (G>A on the coding strand, the complement: MOGS is on the minus strand). VCF-style: chr2-74462780-C-T. GRCh37 (hg19) VCF-style: chr2-74689907-C-T.
Other names: c.691G>A, p.Glu231Lys (NM_001146158.2); short protein forms E231K, E337K.
Identifiers: ClinVar variation 1906371 (VCV001906371.3), dbSNP rs746064272, ClinGen allele CA1724867.
Genomic context (GRCh38, chr2:74,462,780, plus strand): 5'-GTAGACTGCCTGCCAGTCTTGGCAGGGCTTGATTTCCTCCTGCCTGGGCACTGCCTGATT[C>T]AAACACAAACTCTATGGAAATGGGAATTTTCAGGGTCACCTGCTGTATCAAGAACTGCCC-3'
Protein context (NP_006293.2, residues 327-347): KIPISIEFVF[Glu337Lys]SGSAQAGGNQ

ClinVar aggregate classification (germline): Uncertain significance (1 of 4 stars; one submission).

Conditions:
MOGS-congenital disorder of glycosylation. Also called: CDG IIb; CDG 2B; GLUCOSIDASE I DEFICIENCY; MOGS-CDG. Identifiers: Orphanet 79330, MedGen C1853736, MONDO:0011629, OMIM 606056.

Allele frequency attached by ClinVar (database versions not stated): ExAC 0.00001.
gnomAD v4.1: 6 of 1,614,230 alleles (0.00037%); highest among the groups gnomAD compares: Non-Finnish European, 0.00042%; no homozygotes.

Submission:

Labcorp Genetics (formerly Invitae), Labcorp
Classification: Uncertain significance for MOGS-congenital disorder of glycosylation. Last evaluated: 2023-10-03. Review status: criteria provided, single submitter. Criteria: Invitae Variant Classification Sherloc (09022015). Collection method: clinical testing. Allele origin: germline.
Comment: This sequence change replaces glutamic acid, which is acidic and polar, with lysine, which is basic and polar, at codon 337 of the MOGS protein (p.Glu337Lys). This variant is present in population databases (rs746064272, gnomAD 0.0009%). This variant has not been reported in the literature in individuals affected with MOGS-related conditions. ClinVar contains an entry for this variant (Variation ID: 1906371). Advanced modeling of protein sequence and biophysical properties (such as structural, functional, and spatial information, amino acid conservation, physicochemical variation, residue mobility, and thermodynamic stability) performed at Invitae indicates that this missense variant is not expected to disrupt MOGS protein function. In summary, the available evidence is currently insufficient to determine the role of this variant in disease. Therefore, it has been classified as a Variant of Uncertain Significance.